The following is an entry in ClinVar:

ClinVar aggregate classification (germline): Uncertain significance. Review status: criteria provided, multiple submitters, no conflicts (2 of 4 stars). 2 submissions from 2 submitters: Uncertain significance (2). Last evaluated 2024-10-10.

Conditions:
Global developmental delay with speech and behavioral abnormalities. Identifiers: MedGen C5543226, MONDO:0030995, OMIM 619243.
Inborn genetic diseases. Identifiers: MedGen C0950123, MeSH D030342.

Allele frequency attached by ClinVar (database versions not stated): TOPMed below 0.00001; ExAC 0.00001; gnomAD exomes below 0.00001.
gnomAD v4.1: 3 of 1,614,062 alleles (0.00019%); highest among the groups gnomAD compares: Admixed American, 0.0017%; no homozygotes.

Submissions (2):

Dasa
Classification: Uncertain significance for Global developmental delay with speech and behavioral abnormalities. Last evaluated: 2024-10-10. Review status: criteria provided, single submitter. Criteria: DASA Assertion Criteria. Collection method: clinical testing. Allele origin: germline.
Comment: NM_001162501.2(TNRC6B):c.1481A>G (p.Asn494Ser) is a missense variant that results in the substitution of asparagine with serine. This variant is rare in population databases. Computational prediction algorithms are consistent with a benign effect. The currently available literature and clinical evidence are not sufficient to establish a definitive association between this variant and the reported condition. Therefore, this variant is classified as a variant of uncertain significance.

Ambry Genetics
Classification: Uncertain significance for Inborn genetic diseases. Last evaluated: 2022-10-26. Review status: criteria provided, single submitter. Criteria: Ambry Variant Classification Scheme 2023. Collection method: clinical testing. Allele origin: germline.

NM_001162501.2(TNRC6B):c.1481A>G (p.Asn494Ser)

Gene: TNRC6B (trinucleotide repeat containing adaptor 6B; plus strand). Cytogenetic location: 22q13.1.
Variant type: single nucleotide variant.
Coding change: c.1481A>G on transcript NM_001162501.2 (MANE Select); coding-DNA position 1481, A replaced by G.
Protein change: p.Asn494Ser; replaces asparagine 494 with serine.
Molecular consequence: missense variant. On other transcripts: intron variant (1).
Genome position (GRCh38, 1-based): chr22:40,265,711, A>G. VCF-style: chr22-40265711-A-G. GRCh37 (hg19) VCF-style: chr22-40661715-A-G.
Other names: c.1481A>G, p.Asn494Ser (NM_015088.3); c.565+3538A>G (NM_001024843.2); short protein forms N494S.
Identifiers: ClinVar variation 2320118 (VCV002320118.4), dbSNP rs751692063, ClinGen allele CA10246705.